The following is an entry in ClinVar:

NM_001048174.2(MUTYH):c.682A>C (p.Thr228Pro)

Gene: MUTYH (mutY DNA glycosylase; minus strand). Cytogenetic location: 1p34.1.
Variant type: single nucleotide variant.
Coding change: c.682A>C on transcript NM_001048174.2 (MANE Select); coding-DNA position 682, A replaced by C.
Protein change: p.Thr228Pro; replaces threonine 228 with proline.
Molecular consequence: missense variant. On other transcripts: non-coding transcript variant (7).
Genome position (GRCh38, 1-based): chr1:45,332,413, T>G on the plus strand (A>C on the coding strand, the complement: MUTYH is on the minus strand). VCF-style: chr1-45332413-T-G. GRCh37 (hg19) VCF-style: chr1-45798085-T-G.
Other names: c.406A>C, p.Thr136Pro (NM_001293192.2, NM_001293196.2, NM_001407091.1); c.682A>C, p.Thr228Pro (NM_001293195.2, NM_001407070.1, NM_001407072.1 and 6 more transcripts); c.337A>C, p.Thr113Pro (NM_001350650.2, NM_001350651.2, NM_001407082.1); c.715A>C, p.Thr239Pro (NM_001407069.1, NM_001293191.2, NM_001407077.1); c.685A>C, p.Thr229Pro (NM_001407071.1, NM_001407086.1, NM_001048172.2 and 1 more transcripts); c.703A>C, p.Thr235Pro (NM_001407087.1); c.757A>C, p.Thr253Pro (NM_012222.3); c.766A>C, p.Thr256Pro (NM_001128425.2); and 5 more; short protein forms T200P, T235P, T242P, T214P, T215P, T229P, T243P, T113P.
Identifiers: ClinVar variation 4113820 (VCV004113820.1).

ClinVar aggregate classification (germline): Uncertain significance (1 of 4 stars; one submission).

Conditions:
Hereditary cancer-predisposing syndrome. Also called: Hereditary neoplastic syndrome; Neoplastic Syndromes, Hereditary; Tumor predisposition; Hereditary Cancer Syndrome. Identifiers: Orphanet 140162, MedGen C0027672, MeSH D009386, MONDO:0015356.

Submission:

Ambry Genetics
Classification: Uncertain significance for Hereditary cancer-predisposing syndrome. Last evaluated: 2025-08-27. Review status: criteria provided, single submitter. Criteria: Ambry Variant Classification Scheme 2023. Collection method: clinical testing. Allele origin: germline.
Comment: The p.T256P variant (also known as c.766A>C), located in coding exon 9 of the MUTYH gene, results from an A to C substitution at nucleotide position 766. The threonine at codon 256 is replaced by proline, an amino acid with highly similar properties. This amino acid position is conserved. In addition, this alteration is predicted to be tolerated by in silico analysis. Based on the available evidence, the clinical significance of this variant remains unclear.